The following is an entry in ClinVar:

ClinVar aggregate classification (germline): Uncertain significance (1 of 4 stars; one submission).

Allele frequency attached by ClinVar (database versions not stated): gnomAD 0.00001; TOPMed 0.00001.

Submission:

Labcorp Genetics (formerly Invitae), Labcorp
Classification: Uncertain significance. Last evaluated: 2022-07-06. Review status: criteria provided, single submitter. Criteria: Invitae Variant Classification Sherloc (09022015). Collection method: clinical testing. Allele origin: germline.
Comment: This sequence change replaces threonine, which is neutral and polar, with methionine, which is neutral and non-polar, at codon 2197 of the CDH23 protein (p.Thr2197Met). This variant is not present in population databases (gnomAD no frequency). This variant has not been reported in the literature in individuals affected with CDH23-related conditions. Algorithms developed to predict the effect of missense changes on protein structure and function are either unavailable or do not agree on the potential impact of this missense change (SIFT: "Deleterious"; PolyPhen-2: "Not Available"; Align-GVGD: "Class C65"). In summary, the available evidence is currently insufficient to determine the role of this variant in disease. Therefore, it has been classified as a Variant of Uncertain Significance.

NM_022124.6(CDH23):c.6590C>T (p.Thr2197Met)

Gene: CDH23 (cadherin related 23; plus strand). Cytogenetic location: 10q22.1.
Variant type: single nucleotide variant.
Coding change: c.6590C>T on transcript NM_022124.6 (MANE Select); coding-DNA position 6590, C replaced by T.
Protein change: p.Thr2197Met; replaces threonine 2197 with methionine.
Molecular consequence: missense variant.
Genome position (GRCh38, 1-based): chr10:71,793,518, C>T. VCF-style: chr10-71793518-C-T. GRCh37 (hg19) VCF-style: chr10-73553275-C-T.
Other names: short protein forms T2197M.
Identifiers: ClinVar variation 2179043 (VCV002179043.1), dbSNP rs372190847, ClinGen allele CA209466335.